The following is an entry in ClinVar:

ClinVar aggregate classification (germline): Likely pathogenic. Review status: reviewed by expert panel (3 of 4 stars). 3 submissions from 3 submitters: Likely pathogenic (1). 2 of the submissions do not count toward it. Last evaluated 2024-09-17.

Conditions:
RASopathy. Also called: rasopathies; Noonan spectrum disorder. Identifiers: Orphanet 536391, MedGen C5555857, MONDO:0021060.
Noonan syndrome 1 (NS1). Also called: FEMALE PSEUDO-TURNER SYNDROME; PTPN11-Related Noonan Syndrome; TURNER PHENOTYPE WITH NORMAL KARYOTYPE. Identifiers: Orphanet 648, MedGen C4551602, MONDO:0008104, OMIM 163950. Disease mechanism: gain of function.

Submissions (3):

ClinGen RASopathy Variant Curation Expert Panel
Classification: Likely pathogenic for RASopathy. Last evaluated: 2024-09-17. Review status: reviewed by expert panel. Criteria: ClinGen RASopathy ACMG Specifications NRAS V2.1.0. Collection method: curation. Allele origin: germline. Inheritance: Autosomal dominant inheritance.
Comment: The c.71T>A (p.Ile24Asn) variant in NRAS is a missense variant predicted to cause substitution of isoleucine by asparagine at amino acid 24. This variant is absent from gnomAD v2.1.1 (PM2_Supporting). The computational predictor REVEL gives a score of 0.863, which is above the threshold of 0.7, evidence that correlates with impact to NRAS function (PP3). This variant has been reported in 4 probands with features of RASopathy (PS4_Moderate; PMIDs:21263000, 22855653, 28594414, GeneDx). This variant has been identified as a de novo occurrence with unconfirmed parental relationships in 2 individuals with features of RASopathy (PM6_Strong; PMIDs: 21263000, 22855653). RAS activation assays in 293T cells showed a mild increase in GTP-bound RAS and enhanced MAPK phosphorylation indicating that this variant impacts protein function. A zebrafish model using injected RNA showed developmental and craniofacial defects. The phenotype was completely rescued by MEK inhibition (PMID:21263000)(PS3_Supporting). In summary, this variant meets the criteria to be classified as likely pathogenic for autosomal dominant RASopathy based on the ACMG/AMP criteria applied, as specified by the ClinGen RASopathy VCEP: PM6_Strong, PS4_Moderate, PS3_Supporting, PM2_Supporting, PP3. (RASopathy VCEP specifications version 2.1; 9/17/2024)

GeneDx
Classification: Pathogenic. Last evaluated: 2025-01-09. Review status: criteria provided, single submitter. Criteria: GeneDx Variant Classification Process June 2021. Collection method: clinical testing. Allele origin: germline. Affected: yes. Not counted in ClinVar's aggregate classification.
Comment: Published functional studies demonstrate I24N increases MAPK phosphorylation and activation (PMID: 21263000); Not observed at significant frequency in large population cohorts (gnomAD); Missense variants in this gene are a common cause of disease and they are underrepresented in the general population; In silico analysis supports that this missense variant has a deleterious effect on protein structure/function; This variant is associated with the following publications: (PMID: 22887781, 28542371, 28098151, 28088512, 24939586, 20301303, 22855653, 28594414, 23250860, 26467218, 27561113, 21263000)

GeneReviews
No classification provided. Condition: Noonan syndrome 1. Review status: no classification provided. Collection method: literature only. Allele origin: germline. Affected: yes. Not counted in ClinVar's aggregate classification.

Literature cited by the submitters: NCBI Bookshelf NBK1124 (cited by GeneReviews).

NM_002524.5(NRAS):c.71T>A (p.Ile24Asn)

Gene: NRAS (NRAS proto-oncogene, GTPase; minus strand). Cytogenetic location: 1p13.2.
Variant type: single nucleotide variant.
Coding change: c.71T>A on transcript NM_002524.5 (MANE Select); coding-DNA position 71, T replaced by A.
Protein change: p.Ile24Asn; replaces isoleucine 24 with asparagine.
Molecular consequence: missense variant.
Genome position (GRCh38, 1-based): chr1:114,716,090, A>T on the plus strand (T>A on the coding strand, the complement: NRAS is on the minus strand). VCF-style: chr1-114716090-A-T. GRCh37 (hg19) VCF-style: chr1-115258711-A-T.
Other names: NM_002524.5(NRAS):c.71T>A; c.71T>A (LRG_92t1); short protein forms I24N.
Identifiers: ClinVar variation 222971 (VCV000222971.8), dbSNP rs869025573, ClinGen allele CA356968.